The following is an entry in ClinVar:

ClinVar aggregate classification (germline): Uncertain significance (1 of 4 stars; one submission).

Conditions:
Charcot-Marie-Tooth disease axonal type 2O. Also called: CHARCOT-MARIE-TOOTH NEUROPATHY, AXONAL, TYPE 2O; CHARCOT-MARIE-TOOTH DISEASE, AXONAL, AUTOSOMAL DOMINANT, TYPE 2O; Charcot-Marie-Tooth Neuropathy Type 2O; Charcot-Marie-Tooth disease, axonal, type 20. Identifiers: Orphanet 284232, MedGen C3280220, MONDO:0013644, OMIM 614228.

Submission:

Labcorp Genetics (formerly Invitae), Labcorp
Classification: Uncertain significance for Charcot-Marie-Tooth disease axonal type 2O. Last evaluated: 2019-11-28. Review status: criteria provided, single submitter. Criteria: Invitae Variant Classification Sherloc (09022015). Collection method: clinical testing. Allele origin: germline.
Comment: In summary, the available evidence is currently insufficient to determine the role of this variant in disease. Therefore, it has been classified as a Variant of Uncertain Significance. Algorithms developed to predict the effect of missense changes on protein structure and function are either unavailable or do not agree on the potential impact of this missense change (SIFT: "Deleterious"; PolyPhen-2: "Probably Damaging"; Align-GVGD: "Class C15"). This variant has not been reported in the literature in individuals with DYNC1H1-related conditions. This variant is not present in population databases (ExAC no frequency). This sequence change replaces phenylalanine with leucine at codon 3629 of the DYNC1H1 protein (p.Phe3629Leu). The phenylalanine residue is highly conserved and there is a small physicochemical difference between phenylalanine and leucine.

NM_001376.5(DYNC1H1):c.10887C>G (p.Phe3629Leu)

Gene: DYNC1H1 (dynein cytoplasmic 1 heavy chain 1; plus strand). Cytogenetic location: 14q32.31.
Variant type: single nucleotide variant.
Coding change: c.10887C>G on transcript NM_001376.5 (MANE Select); coding-DNA position 10887, C replaced by G.
Protein change: p.Phe3629Leu; replaces phenylalanine 3629 with leucine.
Molecular consequence: missense variant.
Genome position (GRCh38, 1-based): chr14:102,036,621, C>G. VCF-style: chr14-102036621-C-G. GRCh37 (hg19) VCF-style: chr14-102502958-C-G.
Other names: short protein forms F3629L.
Identifiers: ClinVar variation 855739 (VCV000855739.9), dbSNP rs141133453, ClinGen allele CA391030026.